The following is an entry in ClinVar:

ClinVar aggregate classification (germline): Uncertain significance. Review status: criteria provided, single submitter (1 of 4 stars). 2 submissions from 2 submitters: Uncertain significance (1). 1 of the submissions does not count toward it. Last evaluated 2025-02-19.

Conditions:
Hereditary cancer-predisposing syndrome. Also called: Tumor predisposition; Neoplastic Syndromes, Hereditary; Hereditary neoplastic syndrome; Hereditary Cancer Syndrome. Identifiers: Orphanet 140162, MedGen C0027672, MeSH D009386, MONDO:0015356.
Lynch syndrome. Identifiers: Orphanet 144, MedGen C4552100, MONDO:0005835. Disease mechanism: loss of function.

Submissions (2):

Ambry Genetics
Classification: Uncertain significance for Hereditary cancer-predisposing syndrome. Last evaluated: 2025-02-19. Review status: criteria provided, single submitter. Criteria: Ambry Variant Classification Scheme 2023. Collection method: clinical testing. Allele origin: germline.
Comment: The p.K185E variant (also known as c.553A>G), located in coding exon 3 of the MSH6 gene, results from an A to G substitution at nucleotide position 553. The lysine at codon 185 is replaced by glutamic acid, an amino acid with similar properties. This amino acid position is well conserved in available vertebrate species. In addition, this alteration is predicted to be tolerated by in silico analysis. Based on the available evidence, the clinical significance of this variant remains unclear.

Women's Health and Genetics/Laboratory Corporation of America, LabCorp
Classification: Uncertain significance for Lynch syndrome. Last evaluated: 2015-10-02. Review status: no assertion criteria provided. Collection method: clinical testing. Allele origin: germline. Not counted in ClinVar's aggregate classification.

NM_000179.3(MSH6):c.553A>G (p.Lys185Glu)

Gene: MSH6 (mutS homolog 6; plus strand). Cytogenetic location: 2p16.3.
Variant type: single nucleotide variant.
Coding change: c.553A>G on transcript NM_000179.3 (MANE Select); coding-DNA position 553, A replaced by G.
Protein change: p.Lys185Glu; replaces lysine 185 with glutamic acid.
Molecular consequence: missense variant. On other transcripts: 5 prime UTR variant (1), intron variant (2).
Genome position (GRCh38, 1-based): chr2:47,795,989, A>G. VCF-style: chr2-47795989-A-G. GRCh37 (hg19) VCF-style: chr2-48023128-A-G.
Other names: c.-350A>G (NM_001281494.2); c.-279-2622A>G (NM_001281493.2); c.238-2622A>G (NM_001281492.2); short protein forms K185E.
Identifiers: ClinVar variation 36598 (VCV000036598.5), dbSNP rs193922344, ClinGen allele CA015852.